The following is an entry in ClinVar:

NM_001190787.3(MCIDAS):c.326C>T (p.Thr109Met)

Gene: MCIDAS (multiciliate differentiation and DNA synthesis associated cell cycle protein; minus strand). Cytogenetic location: 5q11.2.
Variant type: single nucleotide variant.
Coding change: c.326C>T on transcript NM_001190787.3 (MANE Select); coding-DNA position 326, C replaced by T.
Protein change: p.Thr109Met; replaces threonine 109 with methionine.
Molecular consequence: missense variant.
Genome position (GRCh38, 1-based): chr5:55,223,007, G>A on the plus strand (C>T on the coding strand, the complement: MCIDAS is on the minus strand). VCF-style: chr5-55223007-G-A. GRCh37 (hg19) VCF-style: chr5-54518835-G-A.
Other names: c.326C>T (NM_001190787.1); short protein forms T109M.
Identifiers: ClinVar variation 1493465 (VCV001493465.6), dbSNP rs1484403354, ClinGen allele CA359733026.

ClinVar aggregate classification (germline): Uncertain significance. Review status: criteria provided, multiple submitters, no conflicts (2 of 4 stars). 2 submissions from 2 submitters: Uncertain significance (2). Last evaluated 2024-07-30.

Conditions:
Inborn genetic diseases. Identifiers: MedGen C0950123, MeSH D030342.
Primary ciliary dyskinesia. Also called: Ciliary dyskinesia. Identifiers: Orphanet 244, MedGen C0008780, MONDO:0016575, HP:0012265.

gnomAD v4.1: 11 of 1,536,112 alleles (0.00072%); highest among the groups gnomAD compares: Admixed American, 0.002%; no homozygotes.

Submissions (2):

Ambry Genetics
Classification: Uncertain significance for Inborn genetic diseases. Last evaluated: 2024-07-30. Review status: criteria provided, single submitter. Criteria: Ambry Variant Classification Scheme 2023. Collection method: clinical testing. Allele origin: germline.

Labcorp Genetics (formerly Invitae), Labcorp
Classification: Uncertain significance for Primary ciliary dyskinesia. Last evaluated: 2022-07-25. Review status: criteria provided, single submitter. Criteria: Invitae Variant Classification Sherloc (09022015). Collection method: clinical testing. Allele origin: germline.
Comment: This sequence change replaces threonine, which is neutral and polar, with methionine, which is neutral and non-polar, at codon 109 of the MCIDAS protein (p.Thr109Met). This variant is present in population databases (no rsID available, gnomAD no frequency). This variant has not been reported in the literature in individuals affected with MCIDAS-related conditions. ClinVar contains an entry for this variant (Variation ID: 1493465). Algorithms developed to predict the effect of missense changes on protein structure and function are either unavailable or do not agree on the potential impact of this missense change (SIFT: "Deleterious"; PolyPhen-2: "Benign"; Align-GVGD: "Class C15"). In summary, the available evidence is currently insufficient to determine the role of this variant in disease. Therefore, it has been classified as a Variant of Uncertain Significance.